The following is an entry in ClinVar:

NC_000009.12:g.35658032CACAGAGTA[5]

Gene: RMRP (RNA component of mitochondrial RNA processing endoribonuclease; minus strand). Cytogenetic location: 9p13.3.
Variant type: Microsatellite.
Genome position: GRCh38, VCF-style position (the base before the change): chr9:35,658,031. GRCh37 (hg19), VCF-style position (the base before the change): chr9:35,658,028.
Identifiers: ClinVar variation 3657199 (VCV003657199.2).

ClinVar aggregate classification (germline): Pathogenic (1 of 4 stars; one submission).

Conditions:
Anauxetic dysplasia. Identifiers: Orphanet 93347, MedGen C1846796, MONDO:0011773.

Submission:

Labcorp Genetics (formerly Invitae), Labcorp
Classification: Pathogenic for Anauxetic dysplasia. Last evaluated: 2024-06-29. Review status: criteria provided, single submitter. Criteria: Invitae Variant Classification Sherloc (09022015). Collection method: clinical testing. Allele origin: germline.
Comment: This variant occurs in the RMRP gene, which encodes an RNA molecule that does not result in a protein product. This variant is not present in population databases (gnomAD no frequency). While this particular variant has not been reported in the literature, it is located in the promoter region between the TATA box and the transcription initiation site, and other insertions and duplications immediately upstream of the coding sequence have been reported in individuals affected with cartilage-hair hypoplasia-anauxetic dysplasia (CHH-AD) spectrum disorders (PMID: 16244706, 11207361, 12107819). While functional studies for this variant have not been reported, experimental analyses using patient derived cells, as well as in vitro transfection studies, have shown that promoter insertions result in silencing of RMRP transcription and reduced expression of the gene product (PMID: 11207361, 16254002). For these reasons, this variant has been classified as Pathogenic.

Literature cited by the submitters: PubMed 16244706; PubMed 11207361; PubMed 12107819; PubMed 16254002.